The following is an entry in ClinVar:

NM_018670.4(MESP1):c.68G>C (p.Arg23Pro)

Genes: MESP1 (mesoderm posterior bHLH transcription factor 1; minus strand), LOC130057889 (ATAC-STARR-seq lymphoblastoid silent region 6804; plus strand). Cytogenetic location: 15q26.1.
Variant type: single nucleotide variant.
Coding change: c.68G>C on transcript NM_018670.4 (MANE Select); coding-DNA position 68, G replaced by C.
Protein change: p.Arg23Pro; replaces arginine 23 with proline.
Molecular consequence: missense variant.
Genome position (GRCh38, 1-based): chr15:89,751,164, C>G on the plus strand (G>C on the coding strand, the complement: MESP1 is on the minus strand). VCF-style: chr15-89751164-C-G. GRCh37 (hg19) VCF-style: chr15-90294395-C-G.
Other names: short protein forms R23P.
Identifiers: ClinVar variation 2218302 (VCV002218302.6), dbSNP rs779056059, ClinGen allele CA7730317.
Genomic context (GRCh38, chr15:89,751,164, plus strand): 5'-CATGAGTCTGGGGACGAGACGAGGGAGCGGCCGCAGTCCTTGTCGGAGGGCGGCGGCCGC[C>G]GAGTTGGGCCCCAGGCCGCAGAGAGCATCCAGGACTCGGAGAGCGGCGGGCACAGGGGCT-3'
Protein context (NP_061140.1, residues 13-33): WMLSAAWGPT[Arg23Pro]RPPPSDKDCG

ClinVar aggregate classification (germline): Uncertain significance. Review status: criteria provided, multiple submitters, no conflicts (2 of 4 stars). 2 submissions from 2 submitters: Uncertain significance (2). Last evaluated 2025-03-31.

Allele frequency attached by ClinVar (database versions not stated): TOPMed 0.00005; ExAC 0.00009.

Submissions (2):

Ambry Genetics
Classification: Uncertain significance. Last evaluated: 2025-03-31. Review status: criteria provided, single submitter. Criteria: Ambry Variant Classification Scheme 2023. Collection method: clinical testing. Allele origin: germline.

Labcorp Genetics (formerly Invitae), Labcorp
Classification: Uncertain significance. Last evaluated: 2023-10-03. Review status: criteria provided, single submitter. Criteria: Invitae Variant Classification Sherloc (09022015). Collection method: clinical testing. Allele origin: germline.
Comment: This sequence change replaces arginine, which is basic and polar, with proline, which is neutral and non-polar, at codon 23 of the MESP1 protein (p.Arg23Pro). The frequency data for this variant in the population databases is considered unreliable, as metrics indicate poor data quality at this position in the gnomAD database. This variant has not been reported in the literature in individuals affected with MESP1-related conditions. ClinVar contains an entry for this variant (Variation ID: 2218302). Algorithms developed to predict the effect of missense changes on protein structure and function output the following: SIFT: "Not Available"; PolyPhen-2: "Benign"; Align-GVGD: "Not Available". The proline amino acid residue is found in multiple mammalian species, which suggests that this missense change does not adversely affect protein function. In summary, the available evidence is currently insufficient to determine the role of this variant in disease. Therefore, it has been classified as a Variant of Uncertain Significance.